The following is an entry in ClinVar:

NM_000587.4(C7):c.1678T>G (p.Cys560Gly)

Gene: C7 (complement C7; plus strand). Cytogenetic location: 5p13.1.
Variant type: single nucleotide variant.
Coding change: c.1678T>G on transcript NM_000587.4 (MANE Select); coding-DNA position 1678, T replaced by G.
Protein change: p.Cys560Gly; replaces cysteine 560 with glycine.
Molecular consequence: missense variant.
Genome position (GRCh38, 1-based): chr5:40,962,101, T>G. VCF-style: chr5-40962101-T-G. GRCh37 (hg19) VCF-style: chr5-40962203-T-G.
Other names: short protein forms C560G.
Identifiers: ClinVar variation 2092222 (VCV002092222.4), dbSNP rs1280445321, ClinGen allele CA359589482.

ClinVar aggregate classification (germline): Uncertain significance (1 of 4 stars; one submission).

Allele frequency attached by ClinVar (database versions not stated): gnomAD exomes below 0.00001; TOPMed below 0.00001; gnomAD 0.00001.
gnomAD v4.1: 2 of 1,551,134 alleles (0.00013%); highest among the groups gnomAD compares: Non-Finnish European, 0.00018%; no homozygotes.

Submission:

Labcorp Genetics (formerly Invitae), Labcorp
Classification: Uncertain significance. Last evaluated: 2022-09-19. Review status: criteria provided, single submitter. Criteria: Invitae Variant Classification Sherloc (09022015). Collection method: clinical testing. Allele origin: germline.
Comment: In summary, the available evidence is currently insufficient to determine the role of this variant in disease. Therefore, it has been classified as a Variant of Uncertain Significance. Advanced modeling of protein sequence and biophysical properties (such as structural, functional, and spatial information, amino acid conservation, physicochemical variation, residue mobility, and thermodynamic stability) performed at Invitae indicates that this missense variant is expected to disrupt C7 protein function. This variant has not been reported in the literature in individuals affected with C7-related conditions. This variant is not present in population databases (gnomAD no frequency). This sequence change replaces cysteine, which is neutral and slightly polar, with glycine, which is neutral and non-polar, at codon 560 of the C7 protein (p.Cys560Gly).